The following is an entry in ClinVar:

ClinVar aggregate classification (germline): Uncertain significance (1 of 4 stars; one submission).

Conditions:
Cardiomyopathy (CMYO). Also called: Cardiomyopathies. Identifiers: Orphanet 167848, MedGen C0878544, MONDO:0004994, HP:0001638. Inheritance: Various modes of inheritance.

Allele frequency attached by ClinVar (database versions not stated): ExAC 0.00003; gnomAD exomes 0.00004.
gnomAD v4.1: 62 of 1,612,786 alleles (0.0038%); highest among the groups gnomAD compares: East Asian, 0.087%; no homozygotes.

Submission:

Strand Center for Genomics and Personalized Medicine, Strand Life Sciences Pvt Ltd
Classification: Uncertain significance for Cardiomyopathy. Review status: criteria provided, single submitter. Criteria: Strand Life Sciences Variant classification assertion Criteria. Collection method: clinical testing. Allele origin: germline. Inheritance: Autosomal dominant inheritance. Affected: yes. Observed: 1 variant allele, 1 heterozygote.
Comment: The novel heterozygous missense variant p.Ile397Val is caused by a substitution within exon 4. The altered amino acid, is a conserved residue within the helical transmembrane domain 6 of CHRM2. Another CHRM2 missense variant, p.Cys176Trp, has been observed in 12 patients from seven unrelated DCM families. The variant was not observed in the additional 139 sporadic DCM patients or the 450 normal volunteers screened. The variant was reported to be associated with an early onset of DCM and was found to segregate in an autosomal dominant manner, with additional phenotypes of sudden death and severe arrhythmia, amongst the affected family members [PMID:18451336].

Literature cited by the submitters: PubMed 18451336.

NM_001006630.2(CHRM2):c.1189A>G (p.Ile397Val)

Genes: CHRM2 (cholinergic receptor muscarinic 2; plus strand), LOC349160 (uncharacterized LOC349160; minus strand). Cytogenetic location: 7q33.
Variant type: single nucleotide variant.
Coding change: c.1189A>G on transcript NM_001006630.2 (MANE Select); coding-DNA position 1189, A replaced by G.
Protein change: p.Ile397Val; replaces isoleucine 397 with valine.
Molecular consequence: missense variant.
Genome position (GRCh38, 1-based): chr7:137,016,054, A>G. VCF-style: chr7-137016054-A-G. GRCh37 (hg19) VCF-style: chr7-136700801-A-G.
Other names: c.1189A>G, p.Ile397Val (NM_000739.3, NM_001006626.3, NM_001006627.3 and 6 more transcripts); short protein forms I397V.
Identifiers: ClinVar variation 219175 (VCV000219175.3), dbSNP rs745902607, ClinGen allele CA339712.